The following is an entry in ClinVar:

ClinVar aggregate classification (germline): Likely benign. Review status: criteria provided, single submitter (1 of 4 stars). 2 submissions from 2 submitters: Likely benign (1). 1 of the submissions does not count toward it. Last evaluated 2022-10-01.

Conditions:
TRPC5-related disorder. Also called: TRPC5-related condition.

Allele frequency attached by ClinVar (database versions not stated): gnomAD exomes 0.00003; ExAC 0.00007; ESP Exome Variant Server 0.00019; 1000 Genomes Project 30x 0.00021; 1000 Genomes Project 0.00026; gnomAD 0.00028; TOPMed 0.00044.
gnomAD v4.1: 63 of 1,208,258 alleles (0.0052%); highest among the groups gnomAD compares: African/African-American, 0.093%; no homozygotes.

Submissions (2):

CeGaT Center for Human Genetics Tuebingen
Classification: Likely benign. Last evaluated: 2022-10-01. Review status: criteria provided, single submitter. Criteria: CeGaT Center For Human Genetics Tuebingen Variant Classification Criteria Version 2. Collection method: clinical testing. Allele origin: germline. Affected: yes. Observed: 1 variant allele.
Comment: TRPC5: BP4, BP7

PreventionGenetics, part of Exact Sciences
Classification: Likely benign for TRPC5-related condition. Last evaluated: 2022-01-05. Review status: no assertion criteria provided. Collection method: clinical testing. Allele origin: germline. Not counted in ClinVar's aggregate classification.
Comment: This variant is classified as likely benign based on ACMG/AMP sequence variant interpretation guidelines (Richards et al. 2015 PMID: 25741868, with internal and published modifications).

NM_012471.3(TRPC5):c.840C>T (p.Asp280=)

Gene: TRPC5 (transient receptor potential cation channel subfamily C member 5; minus strand). Cytogenetic location: Xq23.
Variant type: single nucleotide variant.
Coding change: c.840C>T on transcript NM_012471.3 (MANE Select); coding-DNA position 840, C replaced by T.
Protein change: p.Asp280=; no amino-acid change (aspartic acid 280 retained).
Molecular consequence: synonymous variant.
Genome position (GRCh38, 1-based): chrX:111,912,351, G>A on the plus strand (C>T on the coding strand, the complement: TRPC5 is on the minus strand). VCF-style: chrX-111912351-G-A. GRCh37 (hg19) VCF-style: chrX-111155579-G-A.
Identifiers: ClinVar variation 2661220 (VCV002661220.25), dbSNP rs192710874, ClinGen allele CA10494378.